The following is an entry in ClinVar:

NM_004064.5(CDKN1B):c.594del (p.Ter199LysextTer?)

Gene: CDKN1B (cyclin dependent kinase inhibitor 1B; plus strand). Cytogenetic location: 12p13.1.
Variant type: Deletion.
Coding change: c.594del on transcript NM_004064.5 (MANE Select); coding-DNA position 594, one base deleted (G; older notation c.594delG).
Protein change: p.Ter199LysextTer?.
Molecular consequence: frameshift variant.
Genome position (GRCh38, 1-based): chr12:12,718,943, G deleted. VCF-style (leftmost placement, unchanged base first): chr12-12718942-CG-C. GRCh37 (hg19) VCF-style: chr12-12871876-CG-C.
Identifiers: ClinVar variation 3572229 (VCV003572229.1).

ClinVar aggregate classification (germline): Uncertain significance (1 of 4 stars; one submission).

Submission:

Quest Diagnostics Nichols Institute San Juan Capistrano
Classification: Uncertain significance. Last evaluated: 2024-08-30. Review status: criteria provided, single submitter. Criteria: Quest Diagnostics criteria. Collection method: clinical testing. Allele origin: unknown.
Comment: This test has identified one copy of the c.594del (p.*199Lysext*25) variant in the CDKN1B gene. This variant disrupts the translation stop codon of the CDKN1B mRNA and is predicted to cause abnormal CDKN1B protein elongation. To the best of our knowledge, this variant has not been reported in the published literature. It also has not been reported in large, multi-ethnic general populations (Genome Aggregation Database). Based on the available information, we are unable to determine the clinical significance of this variant.